The following is an entry in ClinVar:

ClinVar aggregate classification (germline): Uncertain significance. Review status: criteria provided, multiple submitters, no conflicts (2 of 4 stars). 2 submissions from 2 submitters: Uncertain significance (2). Last evaluated 2024-11-23.

Conditions:
Inborn genetic diseases. Identifiers: MedGen C0950123, MeSH D030342.

gnomAD v4.1: 3 of 1,612,460 alleles (0.00019%); highest among the groups gnomAD compares: Non-Finnish European, 0.00025%; no homozygotes.

Submissions (2):

Ambry Genetics
Classification: Uncertain significance for Inborn genetic diseases. Last evaluated: 2024-11-23. Review status: criteria provided, single submitter. Criteria: Ambry Variant Classification Scheme 2023. Collection method: clinical testing. Allele origin: germline.
Comment: The p.P1141A variant (also known as c.3421C>G), located in coding exon 32 of the RTEL1 gene, results from a C to G substitution at nucleotide position 3421. The proline at codon 1141 is replaced by alanine, an amino acid with highly similar properties. This amino acid position is conserved. In addition, this alteration is predicted to be tolerated by in silico analysis. Based on the available evidence, the clinical significance of this variant remains unclear.

GeneDx
Classification: Uncertain significance. Last evaluated: 2024-07-13. Review status: criteria provided, single submitter. Criteria: GeneDx Variant Classification Process June 2021. Collection method: clinical testing. Allele origin: germline. Affected: yes.
Comment: Not observed at significant frequency in large population cohorts (gnomAD); In silico analysis indicates that this missense variant does not alter protein structure/function; Has not been previously published as pathogenic or benign to our knowledge

NM_001283009.2(RTEL1):c.3421C>G (p.Pro1141Ala)

Genes: RTEL1 (regulator of telomere elongation helicase 1; plus strand), RTEL1-TNFRSF6B (RTEL1-TNFRSF6B readthrough (NMD candidate); plus strand). Cytogenetic location: 20q13.33.
Variant type: single nucleotide variant.
Coding change: c.3421C>G on transcript NM_001283009.2 (MANE Select); coding-DNA position 3421, C replaced by G.
Protein change: p.Pro1141Ala; replaces proline 1141 with alanine.
Molecular consequence: missense variant. On other transcripts: non-coding transcript variant (1).
Genome position (GRCh38, 1-based): chr20:63,695,143, C>G. VCF-style: chr20-63695143-C-G. GRCh37 (hg19) VCF-style: chr20-62326496-C-G.
Other names: c.2752C>G, p.Pro918Ala (NM_001283010.1); c.3421C>G, p.Pro1141Ala (NM_016434.4); c.3493C>G, p.Pro1165Ala (NM_032957.5); short protein forms P1165A, P1141A, P918A.
Identifiers: ClinVar variation 3435963 (VCV003435963.2).
Genomic context (GRCh38, chr20:63,695,143, plus strand): 5'-CGTCCACACCACAAGCAGCGCTTCTCACAGACGTGCACAGACCTGACCGGCCGGCCCTAC[C>G]CGGGCATGGAGCCACCGGGACCCCAGGAGGAGAGGCTTGCCGTGCCTCCTGTGCTTACCC-3'
Protein context (NP_001269938.1, residues 1131-1151): TCTDLTGRPY[Pro1141Ala]GMEPPGPQEE